The following is an entry in ClinVar:

NM_001267550.2(TTN):c.96604G>T (p.Val32202Leu)

Genes: TTN (titin; minus strand), TTN-AS1 (TTN antisense RNA 1; plus strand), LOC126806421 (CDK7 strongly-dependent group 2 enhancer GRCh37_chr2:179407630-179408829; plus strand). Cytogenetic location: 2q31.2.
Variant type: single nucleotide variant.
Coding change: c.96604G>T on transcript NM_001267550.2 (MANE Select); coding-DNA position 96604, G replaced by T.
Protein change: p.Val32202Leu; replaces valine 32202 with leucine.
Molecular consequence: missense variant.
Genome position (GRCh38, 1-based): chr2:178,543,369, C>A on the plus strand (G>T on the coding strand, the complement: TTN is on the minus strand). VCF-style: chr2-178543369-C-A. GRCh37 (hg19) VCF-style: chr2-179408096-C-A.
Other names: p.V30561L:GTG>TTG; p.Val30561Leu; c.91681G>T, p.Val30561Leu (NM_001256850.1); c.69409G>T, p.Val23137Leu (NM_003319.4); c.88900G>T, p.Val29634Leu (NM_133378.4); c.69784G>T, p.Val23262Leu (NM_133432.3); c.69985G>T, p.Val23329Leu (NM_133437.4); c.96604G>T (NM_001267550.1); short protein forms V30561L, V32202L, V23137L, V29634L, V23262L, V23329L.
Identifiers: ClinVar variation 203023 (VCV000203023.19), dbSNP rs755717335, ClinGen allele CA311007.

ClinVar aggregate classification (germline): Uncertain significance. Review status: criteria provided, multiple submitters, no conflicts (2 of 4 stars). 7 submissions from 7 submitters: Uncertain significance (7). Last evaluated 2026-09-06.

Conditions:
TTN-related disorder. Also called: TTN-related condition; TTN-related disease; TTN-related disorders.
Cardiovascular phenotype. Identifiers: MedGen CN230736.
Dilated cardiomyopathy 1G (CMD1G). Identifiers: Orphanet 154, MedGen C1858763, MONDO:0011400, OMIM 604145.
Autosomal recessive limb-girdle muscular dystrophy type 2J (LGMDR10). Also called: Limb-girdle muscular dystrophy, type 2J; MUSCULAR DYSTROPHY, LIMB-GIRDLE, AUTOSOMAL RECESSIVE 10. Identifiers: Orphanet 140922, MedGen C1837342, MONDO:0012127, OMIM 608807.

Allele frequency attached by ClinVar (database versions not stated): ExAC 0.00001; gnomAD 0.00002; TOPMed 0.00002; gnomAD exomes 0.00005.
gnomAD v4.1: 74 of 1,613,764 alleles (0.0046%); highest among the groups gnomAD compares: Non-Finnish European, 0.0062%; no homozygotes.

Submissions (7):

GeneDx
Classification: Uncertain significance. Last evaluated: 2026-09-06. Review status: criteria provided, single submitter. Criteria: GeneDx Variant Classification Process June 2021. Collection method: clinical testing. Allele origin: germline.
Comment: Not observed at significant frequency in large population cohorts (gnomAD); Missense variant in a gene in which most reported pathogenic variants are truncating/loss of function; Has not been previously published as pathogenic or benign to our knowledge

Mayo Clinic Laboratories, Mayo Clinic
Classification: Uncertain significance. Last evaluated: 2025-10-19. Review status: criteria provided, single submitter. Criteria: ACMG Guidelines, 2015. Collection method: clinical testing. Allele origin: germline. Observed: 1 variant allele.
Comment: BP4

PreventionGenetics, part of Exact Sciences
Classification: Uncertain significance for TTN-related condition. Last evaluated: 2025-05-21. Review status: criteria provided, single submitter. Criteria: ACMG Guidelines, 2015. Collection method: clinical testing. Allele origin: germline.
Comment: The TTN c.96604G>T variant is predicted to result in the amino acid substitution p.Val32202Leu. This variant has been reported in an individual with hypertrophic cardiomyopathy (described as p.Val23137Leu in Table S4, Lopes et al. 2013. PubMed ID: 23396983). This variant is reported in 0.0065% of alleles in individuals of African descent in gnomAD. At this time, the clinical significance of this variant is uncertain due to the absence of conclusive functional and genetic evidence.

Revvity Omics, Revvity
Classification: Uncertain significance. Last evaluated: 2019-03-06. Review status: criteria provided, single submitter. Criteria: ACMG Guidelines, 2015. Collection method: clinical testing. Allele origin: germline.

Ambry Genetics
Classification: Uncertain significance for Cardiovascular phenotype. Last evaluated: 2018-12-26. Review status: criteria provided, single submitter. Criteria: Ambry Variant Classification Scheme 2023. Collection method: clinical testing. Allele origin: germline.
Comment: The p.V23137L variant (also known as c.69409G>T), located in coding exon 174 of the TTN gene, results from a G to T substitution at nucleotide position 69409. The valine at codon 23137 is replaced by leucine, an amino acid with highly similar properties. This variant has been detected in a hypertrophic cardiomyopathy cohort in conjunction with a variant in another cardiac-relate gene (Lopes LR et al. J. Med. Genet. 2013;50(4):228-39). This amino acid position is highly conserved in available vertebrate species. In addition, this alteration is predicted to be tolerated by in silico analysis. Since supporting evidence is limited at this time, the clinical significance of this variant remains unclear.

Labcorp Genetics (formerly Invitae), Labcorp
Classification: Uncertain significance for Dilated cardiomyopathy 1G; Autosomal recessive limb-girdle muscular dystrophy type 2J. Last evaluated: 2017-04-12. Review status: criteria provided, single submitter. Criteria: Invitae Variant Classification Sherloc (09022015). Collection method: clinical testing. Allele origin: germline.

Eurofins Ntd Llc (ga)
Classification: Uncertain significance. Last evaluated: 2017-03-07. Review status: criteria provided, single submitter. Criteria: EGL Classification Definitions 2015. Collection method: clinical testing. Allele origin: germline. Observed: 2 variant alleles, 2 heterozygotes.